The following is an entry in ClinVar:

ClinVar aggregate classification (germline): Pathogenic/Likely pathogenic. Review status: criteria provided, multiple submitters, no conflicts (2 of 4 stars). 2 submissions from 2 submitters: Pathogenic (1); Likely pathogenic (1). Last evaluated 2025-04-23.

Conditions:
Cohen syndrome (COH1). Also called: PEPPER SYNDROME; Cutis verticis gyrata, retinitis pigmentosa, and sensorineural deafness. Identifiers: Orphanet 193, MedGen C0265223, MONDO:0008999, OMIM 216550.

Allele frequency attached by ClinVar (database versions not stated): gnomAD exomes below 0.00001; gnomAD 0.00001.
gnomAD v4.1: 2 of 1,614,006 alleles (0.00012%); highest among the groups gnomAD compares: African/African-American, 0.0013%; no homozygotes.

Submissions (2):

Natera, Inc.
Classification: Likely pathogenic for Cohen syndrome. Last evaluated: 2025-04-23. Review status: criteria provided, single submitter. Criteria: Natera Variant Classification Schema (03/2026). Collection method: clinical testing. Allele origin: germline.
Comment: The c.5780C>A variant in VPS13B is a nonsense variant predicted to introduce a stop codon at amino acid 1927. This variant is expected to result in nonsense mediated decay, truncation, or a dysfunctional protein product. This variant is rare in the general population with a frequency below the threshold expected for the associated phenotype(s). Given the available evidence, this variant is classified as Likely Pathogenic.

Labcorp Genetics (formerly Invitae), Labcorp
Classification: Pathogenic for Cohen syndrome. Last evaluated: 2024-10-23. Review status: criteria provided, single submitter. Criteria: Invitae Variant Classification Sherloc (09022015). Collection method: clinical testing. Allele origin: germline.
Comment: This sequence change creates a premature translational stop signal (p.Ser1927*) in the VPS13B gene. It is expected to result in an absent or disrupted protein product. Loss-of-function variants in VPS13B are known to be pathogenic (PMID: 15141358, 16648375, 20461111). This variant is not present in population databases (gnomAD no frequency). This variant has not been reported in the literature in individuals affected with VPS13B-related conditions. Algorithms developed to predict the effect of sequence changes on RNA splicing suggest that this variant may create or strengthen a splice site. For these reasons, this variant has been classified as Pathogenic.

Literature cited by the submitters: PubMed 15141358 (cited by Labcorp Genetics (formerly Invitae), Labcorp); PubMed 16648375 (cited by Labcorp Genetics (formerly Invitae), Labcorp); PubMed 20461111 (cited by Labcorp Genetics (formerly Invitae), Labcorp).

NM_152564.5(VPS13B):c.5705C>A (p.Ser1902Ter)

Gene: VPS13B (vacuolar protein sorting 13 homolog B; plus strand). Cytogenetic location: 8q22.2.
Variant type: single nucleotide variant.
Coding change: c.5705C>A on transcript NM_152564.5 (MANE Select); coding-DNA position 5705, C replaced by A.
Protein change: p.Ser1902Ter; replaces serine 1902 with a stop codon.
Molecular consequence: nonsense.
Genome position (GRCh38, 1-based): chr8:99,642,295, C>A. VCF-style: chr8-99642295-C-A. GRCh37 (hg19) VCF-style: chr8-100654523-C-A.
Other names: c.5780C>A, p.Ser1927Ter (NM_017890.5); short protein forms S1902*, S1927*.
Identifiers: ClinVar variation 2763699 (VCV002763699.5), dbSNP rs1829401940, ClinGen allele CA371873136.